The following is an entry in ClinVar:

NM_001035.3(RYR2):c.5956T>C (p.Cys1986Arg)

Gene: RYR2 (ryanodine receptor 2; plus strand). Cytogenetic location: 1q43.
Variant type: single nucleotide variant.
Coding change: c.5956T>C on transcript NM_001035.3 (MANE Select); coding-DNA position 5956, T replaced by C.
Protein change: p.Cys1986Arg; replaces cysteine 1986 with arginine.
Molecular consequence: missense variant.
Genome position (GRCh38, 1-based): chr1:237,623,804, T>C. VCF-style: chr1-237623804-T-C. GRCh37 (hg19) VCF-style: chr1-237787104-T-C.
Other names: short protein forms C1986R.
Identifiers: ClinVar variation 3385751 (VCV003385751.1).

ClinVar aggregate classification (germline): Uncertain significance (1 of 4 stars; one submission).

Conditions:
Catecholaminergic polymorphic ventricular tachycardia (CVPT). Also called: Catecholamine-induced polymorphic ventricular tachycardia. Identifiers: Orphanet 3286, MedGen C5574922, MONDO:0017990.

Submission:

All of Us Research Program, National Institutes of Health
Classification: Uncertain significance for Catecholaminergic polymorphic ventricular tachycardia. Last evaluated: 2024-04-25. Review status: criteria provided, single submitter. Criteria: ACMG Guidelines, 2015. Collection method: clinical testing. Allele origin: germline. Inheritance: Autosomal dominant inheritance. Observed: 1 variant allele, 1 heterozygote.
Comment: This missense variant replaces cysteine with arginine at codon 1986 of the RYR2 protein. Computational prediction suggests that this variant may have deleterious impact on protein structure and function (internally defined REVEL score threshold >= 0.7, PMID: 27666373). To our knowledge, functional studies have not been reported for this variant. This variant has not been reported in individuals affected with RYR2-related disorders in the literature. This variant has not been identified in the general population by the Genome Aggregation Database (gnomAD). The available evidence is insufficient to determine the role of this variant in disease conclusively. Therefore, this variant is classified as a Variant of Uncertain Significance.

This study involves interpretation of variants in research participants for the purpose of population health screening. Participant phenotype was not available at the time of variant classification. Additional details can be found in publication PMID: 35346344, PMCID: PMC8962531